The following is an entry in ClinVar:

NM_007375.4(TARDBP):c.1072A>T (p.Asn358Tyr)

Gene: TARDBP (TAR DNA binding protein; plus strand). Cytogenetic location: 1p36.22.
Variant type: single nucleotide variant.
Coding change: c.1072A>T on transcript NM_007375.4 (MANE Select); coding-DNA position 1072, A replaced by T.
Protein change: p.Asn358Tyr; replaces asparagine 358 with tyrosine.
Molecular consequence: missense variant.
Genome position (GRCh38, 1-based): chr1:11,022,481, A>T. VCF-style: chr1-11022481-A-T. GRCh37 (hg19) VCF-style: chr1-11082538-A-T.
Other names: short protein forms N358Y.
Identifiers: ClinVar variation 2574883 (VCV002574883.1), dbSNP rs2521342705, ClinGen allele CA338367727.

ClinVar aggregate classification (germline): Uncertain significance (1 of 4 stars; one submission).

Submission:

GeneDx
Classification: Uncertain significance. Last evaluated: 2023-02-03. Review status: criteria provided, single submitter. Criteria: GeneDx Variant Classification Process June 2021. Collection method: clinical testing. Allele origin: germline. Affected: yes.
Comment: Not observed at significant frequency in large population cohorts (gnomAD); In silico analysis supports that this missense variant has a deleterious effect on protein structure/function; Has not been previously published as pathogenic or benign to our knowledge; This variant is associated with the following publications: (PMID: 20301761)